The following is an entry in ClinVar:

ClinVar aggregate classification (germline): Uncertain significance (1 of 4 stars; one submission).

Conditions:
Mitochondrial complex II deficiency, nuclear type 1. Also called: SUCCINATE CoQ REDUCTASE DEFICIENCY. Identifiers: Orphanet 3208, MedGen C5700310, MONDO:0100294, OMIM 252011.
Pheochromocytoma/paraganglioma syndrome 5. Also called: Paragangliomas 5; SDHA-Related Hereditary Paraganglioma-Pheochromocytoma Syndrome. Identifiers: Orphanet 29072, MedGen C3279992, MONDO:0013602, OMIM 614165.

Allele frequency attached by ClinVar (database versions not stated): gnomAD exomes below 0.00001.
gnomAD v4.1: 2 of 1,613,814 alleles (0.00012%); highest among the groups gnomAD compares: Non-Finnish European, 0.00017%; no homozygotes.

Submission:

Labcorp Genetics (formerly Invitae), Labcorp
Classification: Uncertain significance for Pheochromocytoma/paraganglioma syndrome 5; Mitochondrial complex II deficiency, nuclear type 1. Last evaluated: 2023-10-28. Review status: criteria provided, single submitter. Criteria: Invitae Variant Classification Sherloc (09022015). Collection method: clinical testing. Allele origin: germline.
Comment: This sequence change replaces histidine, which is basic and polar, with tyrosine, which is neutral and polar, at codon 424 of the SDHA protein (p.His424Tyr). This variant is not present in population databases (gnomAD no frequency). This variant has not been reported in the literature in individuals affected with SDHA-related conditions. Advanced modeling of protein sequence and biophysical properties (such as structural, functional, and spatial information, amino acid conservation, physicochemical variation, residue mobility, and thermodynamic stability) performed at Invitae indicates that this missense variant is not expected to disrupt SDHA protein function with a negative predictive value of 95%. In summary, the available evidence is currently insufficient to determine the role of this variant in disease. Therefore, it has been classified as a Variant of Uncertain Significance.

NM_004168.4(SDHA):c.1270C>T (p.His424Tyr)

Gene: SDHA (succinate dehydrogenase complex flavoprotein subunit A; plus strand). Cytogenetic location: 5p15.33.
Variant type: single nucleotide variant.
Coding change: c.1270C>T on transcript NM_004168.4 (MANE Select); coding-DNA position 1270, C replaced by T.
Protein change: p.His424Tyr; replaces histidine 424 with tyrosine.
Molecular consequence: missense variant.
Genome position (GRCh38, 1-based): chr5:236,437, C>T. VCF-style: chr5-236437-C-T. GRCh37 (hg19) VCF-style: chr5-236552-C-T.
Other names: c.1126C>T, p.His376Tyr (NM_001294332.2); c.1270C>T, p.His424Tyr (NM_001330758.2); short protein forms H424Y, H376Y.
Identifiers: ClinVar variation 2949629 (VCV002949629.3), dbSNP rs2477374367, ClinGen allele CA359013819.
Genomic context (GRCh38, chr5:236,437, plus strand): 5'-GGTGGAGGCATGGGCACCTTGACATTTCACCTGAAATCTTCCTTTCCACAGGTCCTGAGG[C>T]ACGTGAATGGCCAGGATCAGATTGTGCCCGGCCTGTACGCCTGTGGGGAGGCCGCCTGTG-3'
Protein context (NP_004159.2, residues 414-434): PTNYKGQVLR[His424Tyr]VNGQDQIVPG